The following is an entry in ClinVar:

ClinVar aggregate classification (germline): Uncertain significance. Review status: reviewed by expert panel (3 of 4 stars). 2 submissions from 2 submitters: Uncertain significance (1). 1 of the submissions does not count toward it. Last evaluated 2024-06-24.

Conditions:
Mitochondrial disease. Also called: Mitochondrial disorders; Mitochondrial disorder. Identifiers: Orphanet 68380, MedGen C0751651, MeSH D028361, MONDO:0044970.

Submissions (2):

ClinGen Mitochondrial Disease Nuclear and Mitochondrial  Variant Curation Expert Panel, ClinGen
Classification: Uncertain significance for Mitochondrial disease. Last evaluated: 2024-06-24. Review status: reviewed by expert panel. Criteria: clingen mito disease acmg specifications v1-1. Collection method: curation. Allele origin: germline. Inheritance: Mitochondrial inheritance.
Comment: Muscle biopsy showed many ragged red fibers, 60% COX-negative fibers, and lipid overload. Respiratory chain enzyme activities were normal. The variant was present at 92% in muscle and was undetectable in blood, urine, and buccal sample. Haplogroup was H80 (PMID: 32419253). The variant was present at <5% in blood from her healthy mother and was undetectable in mother’s urine and buccal sample, and was undetectable in blood, buccal sample, and urine from her healthy sister. This cannot be considered evidence of de novo status as the variant was also undetectable in the proband’s blood. This variant is absent in the GenBank dataset, Helix dataset, and gnomAD v3.1.2 (PM2_supporting). Single fiber testing showed higher levels of the variant in COX-negative fibers (89.10±9.3%; N = at least 10) than in COX-positive fibers (44.74±24.79%; N = at least 10), p<0.0001 (PS3_supporting, PMID: 32419253). The computational predictor MitoTIP suggests this variant is neutral (16.3 percentile) and HmtVAR predicts it to be polymorphic with a score of 0.05. In summary, this variant meets criteria to be classified as uncertain significance for primary mitochondrial disease inherited in a mitochondrial manner. This classification was approved by the NICHD/NINDS U24 ClinGen Mitochondrial Disease Variant Curation Expert Panel on June 24, 2024. Mitochondrial DNA-specific ACMG/AMP criteria applied (PMID: 32906214): PS3_supporting, PM2_supporting.

Service de Génétique Médicale, Centre Hospitalier Universitaire de Nice-Université Côte d'Azur
Classification: Pathogenic for Mitochondrial disease. Last evaluated: 2019-10-01. Review status: no assertion criteria provided. Collection method: in vitro. Allele origin: not applicable. Inheritance: Mitochondrial inheritance. Not counted in ClinVar's aggregate classification.
Comment: Static cerebellar ataxia, exercise intolerance, retinitis pigmentosa

Literature cited by the submitters: PubMed 32419253 (cited by ClinGen Mitochondrial Disease Nuclear and Mitochondrial  Variant Curation Expert Panel, ClinGen).

NC_012920.1(MT-TF):m.590A>G

Gene: MT-TF (mitochondrially encoded tRNA phenylalanine; plus strand).
Variant type: single nucleotide variant.
Genome position: chrM-590-A-G.
Identifiers: ClinVar variation 870573 (VCV000870573.4), dbSNP rs2068676854, ClinGen allele CA913175543.